The following is an entry in ClinVar:

ClinVar aggregate classification (germline): Conflicting classifications of pathogenicity. Review status: criteria provided, conflicting classifications (1 of 4 stars). 4 submissions from 4 submitters: Uncertain significance (2); Likely benign (1). 1 of the submissions does not count toward it. Last evaluated 2026-04-14.

Conditions:
ABCB11-related disorder. Also called: ABCB11-related condition.
Familial intrahepatic cholestasis. Identifiers: Orphanet 284385, MedGen CN296401, MONDO:0017290.
Progressive familial intrahepatic cholestasis type 2. Identifiers: Orphanet 79304, MedGen C3489789, MONDO:0011156, OMIM 601847.

Allele frequency attached by ClinVar (database versions not stated): ExAC 0.00009; gnomAD 0.00010 and 0.00011; TOPMed 0.00010; gnomAD exomes 0.00012 and 0.00017; ESP Exome Variant Server 0.00024.
gnomAD v4.1: 257 of 1,612,902 alleles (0.016%); highest among the groups gnomAD compares: Non-Finnish European, 0.021%; no homozygotes.

Submissions (4):

Genomenon, Inc
Classification: Uncertain significance for Familial intrahepatic cholestasis. Last evaluated: 2026-04-14. Review status: criteria provided, single submitter. Criteria: Genomenon Sequence Variant Interpretation Standards - Updated. Collection method: curation. Allele origin: germline. Affected: no.
Comment: ABCB11 c.1530C>A is a synonymous variant that retains Threonine at residue 510. This variant has been reported in the published literature (PMID:14999697;22795478). At least one splicing study demonstrated no effect on splicing (PMID:19101985). It is absent or not present at a significant frequency in gnomAD. In conclusion, we classify ABCB11 p.Thr510= (c.1530C>A) as a variant of uncertain significance.

Labcorp Genetics (formerly Invitae), Labcorp
Classification: Likely benign. Last evaluated: 2024-03-25. Review status: criteria provided, single submitter. Criteria: Invitae Variant Classification Sherloc (09022015). Collection method: clinical testing. Allele origin: germline.

Illumina Laboratory Services, Illumina
Classification: Uncertain significance for Progressive familial intrahepatic cholestasis type 2. Last evaluated: 2017-04-27. Review status: criteria provided, single submitter. Criteria: ICSL Variant Classification Criteria 13 December 2019. Collection method: clinical testing. Allele origin: germline.
Comment: This variant was observed as part of a predisposition screen in an ostensibly healthy population. A literature search was performed for the gene, cDNA change, and amino acid change (where applicable). Publications were found based on this search. However, the evidence from the literature, in combination with allele frequency data from public databases where available, was not sufficient to rule this variant in or out of causing disease. Therefore, this variant is classified as a variant of unknown significance.

PreventionGenetics, part of Exact Sciences
Classification: Likely benign for ABCB11-related condition. Last evaluated: 2024-08-21. Review status: no assertion criteria provided. Collection method: clinical testing. Allele origin: germline. Not counted in ClinVar's aggregate classification.
Comment: This variant is classified as likely benign based on ACMG/AMP sequence variant interpretation guidelines (Richards et al. 2015 PMID: 25741868, with internal and published modifications).

Literature cited by the submitters: PubMed 14999697 (cited by Genomenon, Inc and Illumina Laboratory Services, Illumina); PubMed 22795478 (cited by Genomenon, Inc); PubMed 19101985 (cited by Genomenon, Inc and Illumina Laboratory Services, Illumina).

NM_003742.4(ABCB11):c.1530C>A (p.Thr510=)

Gene: ABCB11 (ATP binding cassette subfamily B member 11; minus strand). Cytogenetic location: 2q31.1.
Variant type: single nucleotide variant.
Coding change: c.1530C>A on transcript NM_003742.4 (MANE Select); coding-DNA position 1530, C replaced by A.
Protein change: p.Thr510=; no amino-acid change (threonine 510 retained).
Molecular consequence: synonymous variant.
Genome position (GRCh38, 1-based): chr2:168,971,955, G>T on the plus strand (C>A on the coding strand, the complement: ABCB11 is on the minus strand). VCF-style: chr2-168971955-G-T. GRCh37 (hg19) VCF-style: chr2-169828465-G-T.
Identifiers: ClinVar variation 753364 (VCV000753364.16), dbSNP rs374701109, ClinGen allele CA1951550.
Genomic context (GRCh38, chr2:168,971,955, plus strand): 5'-TTGGACTATGTCTTCCATTGTTGCATCTTCTCTGCCATAGCGAATATTTTCTGCAATGGT[G>T]GTAGAGAACAGAACTGGCTCTTGCTCCACTATCCCAATCTGATCTCTAAGCCACTGAATG-3'
Protein context (NP_003733.2, residues 500-520): IVEQEPVLFS[Thr510=]TIAENIRYGR